The following is an entry in ClinVar:

ClinVar aggregate classification (germline): Uncertain significance. Review status: criteria provided, multiple submitters, no conflicts (2 of 4 stars). 2 submissions from 2 submitters: Uncertain significance (2). Last evaluated 2025-12-30.

Conditions:
Inborn genetic diseases. Identifiers: MedGen C0950123, MeSH D030342.
ESPN-related disorder. Also called: ESPN-related condition.

gnomAD v4.1: 70 of 1,480,866 alleles (0.0047%); highest among the groups gnomAD compares: Non-Finnish European, 0.0061%; no homozygotes.

Submissions (2):

PreventionGenetics, part of Exact Sciences
Classification: Uncertain significance for ESPN-related condition. Last evaluated: 2025-12-30. Review status: criteria provided, single submitter. Criteria: ACMG Guidelines, 2015. Collection method: clinical testing. Allele origin: germline.
Comment: The ESPN c.1561C>T variant is predicted to result in the amino acid substitution p.Arg521Trp. To our knowledge, this variant has not been reported in the literature. This variant is reported in 0.0095% of alleles in individuals of European (Non-Finnish) descent in gnomAD. At this time, the clinical significance of this variant is uncertain due to the absence of conclusive functional and genetic evidence.

Ambry Genetics
Classification: Uncertain significance for Inborn genetic diseases. Last evaluated: 2025-08-14. Review status: criteria provided, single submitter. Criteria: Ambry Variant Classification Scheme 2023. Collection method: clinical testing. Allele origin: germline.

NM_031475.3(ESPN):c.1561C>T (p.Arg521Trp)

Gene: ESPN (espin; plus strand). Cytogenetic location: 1p36.31.
Variant type: single nucleotide variant.
Coding change: c.1561C>T on transcript NM_031475.3 (MANE Select); coding-DNA position 1561, C replaced by T.
Protein change: p.Arg521Trp; replaces arginine 521 with tryptophan.
Molecular consequence: missense variant.
Genome position (GRCh38, 1-based): chr1:6,448,737, C>T. VCF-style: chr1-6448737-C-T. GRCh37 (hg19) VCF-style: chr1-6508797-C-T.
Other names: c.1561C>T, p.Arg521Trp (NM_001367473.1, NM_001367474.1); short protein forms R521W.
Identifiers: ClinVar variation 4251089 (VCV004251089.2).